The following is an entry in ClinVar:

ClinVar aggregate classification (germline): Uncertain significance (1 of 4 stars; one submission).

Conditions:
Bardet-Biedl syndrome (BBS). Identifiers: Orphanet 110, MedGen C0752166, MONDO:0015229.

Submission:

Labcorp Genetics (formerly Invitae), Labcorp
Classification: Uncertain significance for Bardet-Biedl syndrome. Last evaluated: 2022-10-25. Review status: criteria provided, single submitter. Criteria: Invitae Variant Classification Sherloc (09022015). Collection method: clinical testing. Allele origin: germline.
Comment: In summary, the available evidence is currently insufficient to determine the role of this variant in disease. Therefore, it has been classified as a Variant of Uncertain Significance. Experimental studies and prediction algorithms are not available or were not evaluated, and the functional significance of this variant is currently unknown. This variant has not been reported in the literature in individuals affected with BBS12-related conditions. This variant is not present in population databases (gnomAD no frequency). This variant, c.105_107del, results in the deletion of 1 amino acid(s) of the BBS12 protein (p.Ser36del), but otherwise preserves the integrity of the reading frame.

NM_152618.3(BBS12):c.102ATC[1] (p.Ser36del)

Gene: BBS12 (Bardet-Biedl syndrome 12; plus strand). Cytogenetic location: 4q27.
Variant type: Microsatellite.
Coding change: c.102ATC[1] on transcript NM_152618.3 (MANE Select); one copy of the 3-base unit ATC starting at c.102; the reference has two copies in a row; one copy, 3 bases deleted.
Protein change: p.Ser36del; deletes serine 36.
Molecular consequence: inframe deletion.
Genome position (GRCh38, 1-based): chr4:122,741,997-122,741,999, ATC deleted; deleting any 3 consecutive bases within chr4:122,741,994-122,741,999 gives the same sequence; the position shown is the placement nearest the transcript's 3' end. VCF-style (leftmost placement, unchanged base first): chr4-122741993-AATC-A. GRCh37 (hg19) VCF-style: chr4-123663148-AATC-A.
Other names: c.102ATC[1], p.Ser36del (NM_001178007.2); short protein forms S36del.
Identifiers: ClinVar variation 1407777 (VCV001407777.8), dbSNP rs2150735886, ClinGen allele CA2580616764.
Genomic context (GRCh38, chr4:122,741,993, plus strand): 5'-TGGGACTTCAACAACTTTCATCATTCGCGGAAACAGGAAGAACTTTCCTAGGCCCACTAA[AATC>A]ATCCAAATTTATTATAGATGAAGAATGTCATGAAAGTGTATTAATCAGTTCAACAGTAAG-3'